The following is an entry in ClinVar:

NM_018082.6(POLR3B):c.925G>A (p.Ala309Thr)

Gene: POLR3B (RNA polymerase III subunit B; plus strand). Cytogenetic location: 12q23.3.
Variant type: single nucleotide variant.
Coding change: c.925G>A on transcript NM_018082.6 (MANE Select); coding-DNA position 925, G replaced by A.
Protein change: p.Ala309Thr; replaces alanine 309 with threonine.
Molecular consequence: missense variant.
Genome position (GRCh38, 1-based): chr12:106,405,935, G>A. VCF-style: chr12-106405935-G-A. GRCh37 (hg19) VCF-style: chr12-106799713-G-A.
Other names: c.751G>A, p.Ala251Thr (NM_001160708.2); short protein forms A251T, A309T.
Identifiers: ClinVar variation 1307883 (VCV001307883.5), dbSNP rs369488769, ClinGen allele CA6761819.

ClinVar aggregate classification (germline): Uncertain significance. Review status: criteria provided, multiple submitters, no conflicts (2 of 4 stars). 3 submissions from 3 submitters: Uncertain significance (3). Last evaluated 2025-06-18.

Conditions:
Inborn genetic diseases. Identifiers: MedGen C0950123, MeSH D030342.

Allele frequency attached by ClinVar (database versions not stated): gnomAD 0.00001 and 0.00002; ExAC 0.00002; gnomAD exomes 0.00002 and 0.00003; TOPMed 0.00003; ESP Exome Variant Server 0.00023.
gnomAD v4.1: 33 of 1,613,758 alleles (0.002%); highest among the groups gnomAD compares: South Asian, 0.014%; 1 homozygote.

Submissions (3):

GeneDx
Classification: Uncertain significance. Last evaluated: 2025-06-18. Review status: criteria provided, single submitter. Criteria: GeneDx Variant Classification Process June 2021. Collection method: clinical testing. Allele origin: germline. Affected: yes.
Comment: In silico analysis supports that this missense variant has a deleterious effect on protein structure/function; Has not been previously published as pathogenic or benign to our knowledge

Ambry Genetics
Classification: Uncertain significance for Inborn genetic diseases. Last evaluated: 2024-07-10. Review status: criteria provided, single submitter. Criteria: Ambry Variant Classification Scheme 2023. Collection method: clinical testing. Allele origin: germline.

Blueprint Genetics
Classification: Uncertain significance. Last evaluated: 2021-09-21. Review status: criteria provided, single submitter. Criteria: ACMG Guidelines, 2015. Collection method: clinical testing. Allele origin: germline.